The following is an entry in ClinVar:

ClinVar aggregate classification (germline): Likely benign. Review status: criteria provided, multiple submitters, no conflicts (2 of 4 stars). 3 submissions from 3 submitters: Likely benign (3). Last evaluated 2026-01-07.

Conditions:
Familial thoracic aortic aneurysm and aortic dissection (TAAD). Also called: Thoracic aortic aneurysms and dissections. Identifiers: Orphanet 91387, MedGen C4707243, MONDO:0019625.
Congenital contractural arachnodactyly (CCA). Also called: Arthrogryposis, distal, type 9; BEALS SYNDROME; Beals-Hecht syndrome. Identifiers: Orphanet 115, MedGen C0220668, MONDO:0007363, OMIM 121050.

gnomAD v4.1: 26 of 1,614,134 alleles (0.0016%); highest among the groups gnomAD compares: South Asian, 0.0066%; no homozygotes.

Submissions (3):

Labcorp Genetics (formerly Invitae), Labcorp
Classification: Likely benign for Congenital contractural arachnodactyly. Last evaluated: 2026-01-07. Review status: criteria provided, single submitter. Criteria: Invitae Variant Classification Sherloc (09022015). Collection method: clinical testing. Allele origin: germline.

CeGaT Center for Human Genetics Tuebingen
Classification: Likely benign. Last evaluated: 2025-08-01. Review status: criteria provided, single submitter. Criteria: CeGaT Center For Human Genetics Tuebingen Variant Classification Criteria Version 2. Collection method: clinical testing. Allele origin: germline. Affected: yes. Observed: 1 variant allele.
Comment: FBN2: BP4, BP7

Ambry Genetics
Classification: Likely benign for Familial thoracic aortic aneurysm and aortic dissection. Last evaluated: 2024-12-20. Review status: criteria provided, single submitter. Criteria: Ambry Variant Classification Scheme 2023. Collection method: clinical testing. Allele origin: germline.

NM_001999.4(FBN2):c.8058C>T (p.Phe2686=)

Gene: FBN2 (fibrillin 2; minus strand). Cytogenetic location: 5q23.3.
Variant type: single nucleotide variant.
Coding change: c.8058C>T on transcript NM_001999.4 (MANE Select); coding-DNA position 8058, C replaced by T.
Protein change: p.Phe2686=; no amino-acid change (phenylalanine 2686 retained).
Molecular consequence: synonymous variant.
Genome position (GRCh38, 1-based): chr5:128,263,559, G>A on the plus strand (C>T on the coding strand, the complement: FBN2 is on the minus strand). VCF-style: chr5-128263559-G-A. GRCh37 (hg19) VCF-style: chr5-127599251-G-A.
Other names: c.8058C>T (NM_001999.3).
Identifiers: ClinVar variation 1574082 (VCV001574082.17), dbSNP rs150734807, ClinGen allele CA3393942.
Genomic context (GRCh38, chr5:128,263,559, plus strand): 5'-GCAGGGGTTCTTGGAGGACGAGCACTCATTCACGTCGTGGCAGGCACTGGAGAACTGGTC[G>A]AAGGAGAACCCCGAGGGGCAGGCGCACTTGTAACTCCCCAGGGTGTTGTAGCAGGAAGCA-3'
Protein context (NP_001990.2, residues 2676-2696): YKCACPSGFS[Phe2686=]DQFSSACHDV